The following is an entry in ClinVar:

NM_014489.4(PGAP2):c.547G>A (p.Val183Met)

Gene: PGAP2 (post-GPI attachment to proteins 2; plus strand). Cytogenetic location: 11p15.4.
Variant type: single nucleotide variant.
Coding change: c.547G>A on transcript NM_014489.4 (MANE Select); coding-DNA position 547, G replaced by A.
Protein change: p.Val183Met; replaces valine 183 with methionine.
Molecular consequence: missense variant. On other transcripts: non-coding transcript variant (12), intron variant (1).
Genome position (GRCh38, 1-based): chr11:3,824,081, G>A. VCF-style: chr11-3824081-G-A. GRCh37 (hg19) VCF-style: chr11-3845311-G-A.
Other names: c.364G>A, p.Val122Met (NM_001145438.3, NM_001256237.2, NM_001256238.2 and 7 more transcripts); c.418G>A, p.Val140Met (NM_001256235.2); c.547G>A, p.Val183Met (NM_001256236.2, NM_001346403.1); c.287G>A, p.Arg96His (NM_001283039.2); c.517G>A, p.Val173Met (NM_001346397.2); c.374G>A, p.Arg125His (NM_001346399.2, NM_001346401.2); c.484G>A, p.Val162Met (NM_001346402.2); c.162-189G>A (NM_001283040.1); short protein forms R125H, R163H, V122M, V140M, V162M, V173M, V179M, V183M.
Identifiers: ClinVar variation 1985401 (VCV001985401.4), dbSNP rs371241993, ClinGen allele CA5829800.

ClinVar aggregate classification (germline): Uncertain significance. Review status: criteria provided, multiple submitters, no conflicts (2 of 4 stars). 2 submissions from 2 submitters: Uncertain significance (2). Last evaluated 2025-05-18.

Conditions:
Inborn genetic diseases. Identifiers: MedGen C0950123, MeSH D030342.

Allele frequency attached by ClinVar (database versions not stated): gnomAD exomes 0.00002; TOPMed 0.00003; ExAC 0.00006; gnomAD 0.00006; ESP Exome Variant Server 0.00015; 1000 Genomes Project 30x 0.00016; 1000 Genomes Project 0.00020.
gnomAD v4.1: 43 of 1,614,166 alleles (0.0027%); highest among the groups gnomAD compares: African/African-American, 0.023%; no homozygotes.

Submissions (2):

Ambry Genetics
Classification: Uncertain significance for Inborn genetic diseases. Last evaluated: 2025-05-18. Review status: criteria provided, single submitter. Criteria: Ambry Variant Classification Scheme 2023. Collection method: clinical testing. Allele origin: germline.

Labcorp Genetics (formerly Invitae), Labcorp
Classification: Uncertain significance. Last evaluated: 2024-10-29. Review status: criteria provided, single submitter. Criteria: Invitae Variant Classification Sherloc (09022015). Collection method: clinical testing. Allele origin: germline.
Comment: This sequence change replaces valine, which is neutral and non-polar, with methionine, which is neutral and non-polar, at codon 122 of the PGAP2 protein (p.Val122Met). This variant is present in population databases (rs371241993, gnomAD 0.03%). This variant has not been reported in the literature in individuals affected with PGAP2-related conditions. ClinVar contains an entry for this variant (Variation ID: 1985401). Invitae Evidence Modeling of protein sequence and biophysical properties (such as structural, functional, and spatial information, amino acid conservation, physicochemical variation, residue mobility, and thermodynamic stability) indicates that this missense variant is not expected to disrupt PGAP2 protein function with a negative predictive value of 80%. In summary, the available evidence is currently insufficient to determine the role of this variant in disease. Therefore, it has been classified as a Variant of Uncertain Significance.